The following is an entry in ClinVar:

NM_004656.4(BAP1):c.1688A>T (p.His563Leu)

Gene: BAP1 (BRCA1 associated deubiquitinase 1; minus strand). Cytogenetic location: 3p21.1.
Variant type: single nucleotide variant.
Coding change: c.1688A>T on transcript NM_004656.4 (MANE Select); coding-DNA position 1688, A replaced by T.
Protein change: p.His563Leu; replaces histidine 563 with leucine.
Molecular consequence: missense variant.
Genome position (GRCh38, 1-based): chr3:52,403,457, T>A on the plus strand (A>T on the coding strand, the complement: BAP1 is on the minus strand). VCF-style: chr3-52403457-T-A. GRCh37 (hg19) VCF-style: chr3-52437473-T-A.
Other names: c.1634A>T, p.His545Leu (NM_001410772.1); short protein forms H545L, H563L.
Identifiers: ClinVar variation 4757889 (VCV004757889.2).
Genomic context (GRCh38, chr3:52,403,457, plus strand): 5'-GAGCCAGTCCAAGGCCCACCTGTCAGCGCCAGGGGACTCAGCACCCCATCCTCAGCCAGG[T>A]GCAGCAGGCCTGTGCTGATGACAGGACCCAGATCACGGACAGCACGGTTGTAGCGTATGC-3'
Protein context (NP_004647.1, residues 553-573): LGPVISTGLL[His563Leu]LAEDGVLSPL

ClinVar aggregate classification (germline): Conflicting classifications of pathogenicity. Review status: criteria provided, conflicting classifications (1 of 4 stars). 2 submissions from 2 submitters: Uncertain significance (1); Likely benign (1). Last evaluated 2026-02-19.

Conditions:
Hereditary cancer-predisposing syndrome. Also called: Neoplastic Syndromes, Hereditary; Hereditary neoplastic syndrome; Tumor predisposition; Hereditary Cancer Syndrome. Identifiers: Orphanet 140162, MedGen C0027672, MeSH D009386, MONDO:0015356.

Submissions (2):

Ambry Genetics
Classification: Likely benign for Hereditary cancer-predisposing syndrome. Last evaluated: 2026-02-19. Review status: criteria provided, single submitter. Criteria: Ambry Variant Classification Scheme 2023. Collection method: clinical testing. Allele origin: germline.

Color Diagnostics, LLC DBA Color Health
Classification: Uncertain significance for Hereditary cancer-predisposing syndrome. Last evaluated: 2025-08-17. Review status: criteria provided, single submitter. Criteria: ACMG Guidelines, 2015. Collection method: clinical testing. Allele origin: germline.
Comment: This missense variant replaces histidine with leucine at codon 563 of the BAP1 protein. Computational prediction suggests that this variant may not impact protein structure and function. To our knowledge, functional studies have not been reported for this variant. This variant has not been reported in individuals affected with BAP1-related disorders in the literature. This variant has not been identified in the general population by the Genome Aggregation Database (gnomAD). The available evidence is insufficient to determine the role of this variant in disease conclusively. Therefore, this variant is classified as a Variant of Uncertain Significance.